The following is an entry in ClinVar:

ClinVar aggregate classification (germline): Uncertain significance (1 of 4 stars; one submission).

Submission:

Dasa
Classification: Uncertain significance. Last evaluated: 2024-10-17. Review status: criteria provided, single submitter. Criteria: DASA Assertion Criteria. Collection method: clinical testing. Allele origin: germline.
Comment: NM_001376.5(DYNC1H1):c.5156A>G (p.Glu1719Gly) is a missense variant that results in the substitution of glutamic acid with glycine. This variant is absent from population databases. The currently available literature and clinical evidence are not sufficient to establish a definitive association between this variant and the reported condition. Therefore, this variant is classified as a variant of uncertain significance.

NM_001376.5(DYNC1H1):c.5156A>G (p.Glu1719Gly)

Gene: DYNC1H1 (dynein cytoplasmic 1 heavy chain 1; plus strand). Cytogenetic location: 14q32.31.
Variant type: single nucleotide variant.
Coding change: c.5156A>G on transcript NM_001376.5 (MANE Select); coding-DNA position 5156, A replaced by G.
Protein change: p.Glu1719Gly; replaces glutamic acid 1719 with glycine.
Molecular consequence: missense variant.
Genome position (GRCh38, 1-based): chr14:102,004,868, A>G. VCF-style: chr14-102004868-A-G. GRCh37 (hg19) VCF-style: chr14-102471205-A-G.
Other names: short protein forms E1719G.
Identifiers: ClinVar variation 4885796 (VCV004885796.2).